The following is an entry in ClinVar:

NM_000219.6(KCNE1):c.44A>G (p.Lys15Arg)

Gene: KCNE1 (potassium voltage-gated channel subfamily E regulatory subunit 1; minus strand). Cytogenetic location: 21q22.12.
Variant type: single nucleotide variant.
Coding change: c.44A>G on transcript NM_000219.6 (MANE Select); coding-DNA position 44, A replaced by G.
Protein change: p.Lys15Arg; replaces lysine 15 with arginine.
Molecular consequence: missense variant.
Genome position (GRCh38, 1-based): chr21:34,449,591, T>C on the plus strand (A>G on the coding strand, the complement: KCNE1 is on the minus strand). VCF-style: chr21-34449591-T-C. GRCh37 (hg19) VCF-style: chr21-35821889-T-C.
Other names: c.44A>G, p.Lys15Arg (NM_001127668.4, NM_001127669.4, NM_001127670.4 and 4 more transcripts); short protein forms K15R.
Identifiers: ClinVar variation 3373893 (VCV003373893.2).

Conditions:
Long QT syndrome 5 (LQT5). Identifiers: Orphanet 101016, Orphanet 768, MedGen C1867904, MONDO:0013372, OMIM 613695.

Submission:

Roden Lab, Vanderbilt University Medical Center
No classification provided (evidence only). Condition: Long QT syndrome 5. Review status: no classification provided. Collection method: in vitro. Allele origin: not applicable. Functional consequence: Effect on ion channel function.
ClinVar note: "not provided" was previously submitted as the classification for the variant. However, the classification appeared to be based only on an observation of functional data so it was converted to no classification on 2025-07-30.